The following is an entry in ClinVar:

ClinVar aggregate classification (germline): Pathogenic. Review status: criteria provided, single submitter (1 of 4 stars). 2 submissions from 2 submitters: Pathogenic (1). 1 of the submissions does not count toward it. Last evaluated 2020-06-25.

Conditions:
Dyskeratosis congenita, autosomal recessive 5 (DKCB5). Identifiers: MedGen C3554656, MONDO:0014076, OMIM 615190.
Pulmonary fibrosis and/or bone marrow failure, Telomere-related, 3. Also called: PULMONARY FIBROSIS AND/OR BONE MARROW FAILURE SYNDROME, TELOMERE-RELATED, 3. Identifiers: Orphanet 2032, MedGen C4225346, MONDO:0014613, OMIM 616373.
Pulmonary fibrosis. Identifiers: MedGen C0034069, MONDO:0002771, HP:0002206.

Submissions (2):

Labcorp Genetics (formerly Invitae), Labcorp
Classification: Pathogenic for Dyskeratosis congenita, autosomal recessive 5; Pulmonary fibrosis and/or bone marrow failure, Telomere-related, 3. Last evaluated: 2020-06-25. Review status: criteria provided, single submitter. Criteria: Invitae Variant Classification Sherloc (09022015). Collection method: clinical testing. Allele origin: germline.
Comment: This sequence change creates a premature translational stop signal (p.Ile110Thrfs*40) in the RTEL1 gene. It is expected to result in an absent or disrupted protein product. This variant is not present in population databases (ExAC no frequency). This variant has not been reported in the literature in individuals with RTEL1-related conditions. Loss-of-function variants in RTEL1 are known to be pathogenic (PMID: 23453664, 23959892, 25607374). For these reasons, this variant has been classified as Pathogenic.

Garcia Pulmonary Genetics Research Laboratory, Columbia University Irving Medical Center
Classification: Likely risk allele for Pulmonary fibrosis. Last evaluated: 2022-06-09. Review status: no assertion criteria provided. Collection method: research. Allele origin: germline. Affected: yes. Not counted in ClinVar's aggregate classification.

Literature cited by the submitters: PubMed 23453664 (cited by Labcorp Genetics (formerly Invitae), Labcorp); PubMed 23959892 (cited by Labcorp Genetics (formerly Invitae), Labcorp); PubMed 25607374 (cited by Labcorp Genetics (formerly Invitae), Labcorp).

NM_001283009.2(RTEL1):c.329_332del (p.Ile110fs)

Genes: RTEL1 (regulator of telomere elongation helicase 1; plus strand), RTEL1-TNFRSF6B (RTEL1-TNFRSF6B readthrough (NMD candidate); plus strand). Cytogenetic location: 20q13.33.
Variant type: Deletion.
Coding change: c.329_332del on transcript NM_001283009.2 (MANE Select); coding-DNA positions 329 to 332, 4 bases deleted (TTTA; older notation c.329_332delTTTA).
Protein change: p.Ile110fs; shifts the reading frame from isoleucine 110.
Molecular consequence: frameshift variant. On other transcripts: non-coding transcript variant (1), 5 prime UTR variant (1).
Genome position (GRCh38, 1-based): chr20:63,661,877-63,661,880, TTTA deleted; deleting any 4 consecutive bases within chr20:63,661,874-63,661,880 gives the same sequence; the c. name uses the placement nearest the transcript's 3' end. VCF-style (leftmost placement, unchanged base first): chr20-63661873-ATTAT-A. GRCh37 (hg19) VCF-style: chr20-62293226-ATTAT-A.
Other names: p.Ile110fs; c.-341_-338del (NM_001283010.1); c.329_332del, p.Ile110fs (NM_016434.4, NM_032957.5); c.329_332delTTTA (NM_016434.4); short protein forms I110fs.
Identifiers: ClinVar variation 1072324 (VCV001072324.31), dbSNP rs2146150691, ClinGen allele CA2499225818.